The following is an entry in ClinVar:

NM_002317.7(LOX):c.135G>T (p.Gln45His)

Genes: SRFBP1 (serum response factor binding protein 1; plus strand), LOX (lysyl oxidase; minus strand). Cytogenetic location: 5q23.1.
Variant type: single nucleotide variant.
Coding change: c.135G>T on transcript NM_002317.7 (MANE Select); coding-DNA position 135, G replaced by T.
Protein change: p.Gln45His; replaces glutamine 45 with histidine.
Molecular consequence: missense variant.
Genome position (GRCh38, 1-based): chr5:122,077,851, C>A on the plus strand (G>T on the coding strand, the complement: LOX is on the minus strand). VCF-style: chr5-122077851-C-A. GRCh37 (hg19) VCF-style: chr5-121413546-C-A.
Other names: c.135G>T (NM_002317.6); short protein forms Q45H.
Identifiers: ClinVar variation 809788 (VCV000809788.52), dbSNP rs577482351, ClinGen allele CA3384114.
Genomic context (GRCh38, chr5:122,077,851, plus strand): 5'-CTGGTACTGTGAGCCCAGGCTCAGCAAGCTGAACACCTGCCCGTTGTTCTCCCATTGGAT[C>A]TGCTGGCGCCAGGCGCCCGGAGCCGCCGGCGGCTCGCGCGGGGGCTGCTGTTGGCCGGCG-3'
Protein context (NP_002308.2, residues 35-55): PPAAPGAWRQ[Gln45His]IQWENNGQVF

ClinVar aggregate classification (germline): Conflicting classifications of pathogenicity. Review status: criteria provided, conflicting classifications (1 of 4 stars). 5 submissions from 5 submitters: Uncertain significance (1); Likely benign (4). Last evaluated 2025-12-02.

Conditions:
Familial thoracic aortic aneurysm and aortic dissection (TAAD). Also called: Thoracic aortic aneurysms and dissections. Identifiers: Orphanet 91387, MedGen C4707243, MONDO:0019625.
LOX-related disorder. Also called: LOX-related disorders; LOX-related condition.
Cardiovascular phenotype. Identifiers: MedGen CN230736.

Allele frequency attached by ClinVar (database versions not stated): gnomAD 0.00002 and 0.00006; ExAC 0.00005; TOPMed 0.00006; gnomAD exomes 0.00008; 1000 Genomes Project 30x 0.00016.
gnomAD v4.1: 65 of 1,544,662 alleles (0.0042%); highest among the groups gnomAD compares: Middle Eastern, 0.12%; no homozygotes.

Submissions (5):

Labcorp Genetics (formerly Invitae), Labcorp
Classification: Likely benign. Last evaluated: 2025-12-02. Review status: criteria provided, single submitter. Criteria: Invitae Variant Classification Sherloc (09022015). Collection method: clinical testing. Allele origin: germline.

PreventionGenetics, part of Exact Sciences
Classification: Likely benign for LOX-related condition. Last evaluated: 2025-08-30. Review status: criteria provided, single submitter. Criteria: ACMG Guidelines, 2015. Collection method: clinical testing. Allele origin: germline.
Comment: This variant is classified as likely benign based on ACMG/AMP sequence variant interpretation guidelines (Richards et al. 2015 PMID: 25741868, with internal and published modifications).

Ambry Genetics
Classification: Likely benign for Cardiovascular phenotype. Last evaluated: 2025-01-15. Review status: criteria provided, single submitter. Criteria: Ambry Variant Classification Scheme 2023. Collection method: clinical testing. Allele origin: germline.

CHEO Genetics Diagnostic Laboratory, Children's Hospital of Eastern Ontario
Classification: Uncertain significance for Familial thoracic aortic aneurysm and aortic dissection. Last evaluated: 2023-03-31. Review status: criteria provided, single submitter. Criteria: ACMG Guidelines, 2015. Collection method: clinical testing. Allele origin: germline.

CeGaT Center for Human Genetics Tuebingen
Classification: Likely benign. Last evaluated: 2018-05-01. Review status: criteria provided, single submitter. Criteria: CeGaT Center For Human Genetics Tuebingen Variant Classification Criteria Version 2. Collection method: clinical testing. Allele origin: germline. Affected: yes. Observed: 1 variant allele.